The following is an entry in ClinVar:

NM_003221.4(TFAP2B):c.508G>A (p.Gly170Ser)

Gene: TFAP2B (transcription factor AP-2 beta; plus strand). Cytogenetic location: 6p12.3.
Variant type: single nucleotide variant.
Coding change: c.508G>A on transcript NM_003221.4 (MANE Select); coding-DNA position 508, G replaced by A.
Protein change: p.Gly170Ser; replaces glycine 170 with serine.
Molecular consequence: missense variant.
Genome position (GRCh38, 1-based): chr6:50,823,833, G>A. VCF-style: chr6-50823833-G-A. GRCh37 (hg19) VCF-style: chr6-50791546-G-A.
Other names: short protein forms G170S.
Identifiers: ClinVar variation 3703635 (VCV003703635.2).

ClinVar aggregate classification (germline): Uncertain significance (1 of 4 stars; one submission).

gnomAD v4.1: 110 of 1,563,716 alleles (0.007%); highest among the groups gnomAD compares: Non-Finnish European, 0.0092%; no homozygotes.

Submission:

Labcorp Genetics (formerly Invitae), Labcorp
Classification: Uncertain significance. Last evaluated: 2024-06-29. Review status: criteria provided, single submitter. Criteria: Invitae Variant Classification Sherloc (09022015). Collection method: clinical testing. Allele origin: germline.
Comment: This sequence change replaces glycine, which is neutral and non-polar, with serine, which is neutral and polar, at codon 170 of the TFAP2B protein (p.Gly170Ser). The frequency data for this variant in the population databases is considered unreliable, as metrics indicate poor data quality at this position in the gnomAD database. This variant has not been reported in the literature in individuals affected with TFAP2B-related conditions. Advanced modeling of protein sequence and biophysical properties (such as structural, functional, and spatial information, amino acid conservation, physicochemical variation, residue mobility, and thermodynamic stability) performed at Invitae indicates that this missense variant is not expected to disrupt TFAP2B protein function with a negative predictive value of 80%. In summary, the available evidence is currently insufficient to determine the role of this variant in disease. Therefore, it has been classified as a Variant of Uncertain Significance.